The following is an entry in ClinVar:

ClinVar aggregate classification (germline): Uncertain significance (1 of 4 stars; one submission).

Conditions:
Episodic ataxia type 2 (EA2). Also called: ACETAZOLAMIDE-RESPONSIVE HEREDITARY PAROXYSMAL CEREBELLAR ATAXIA; ATAXIA, EPISODIC, WITH NYSTAGMUS; ATAXIA, FAMILIAL PAROXYSMAL; CEREBELLAR ATAXIA, PAROXYSMAL, ACETAZOLAMIDE-RESPONSIVE; CEREBELLOPATHY, HEREDITARY PAROXYSMAL; EPISODIC ATAXIA, NYSTAGMUS-ASSOCIATED. Identifiers: Orphanet 97, MedGen C1720416, MONDO:0007163, OMIM 108500.
Developmental and epileptic encephalopathy, 42 (DEE42A). Also called: Epileptic encephalopathy, early infantile, 42; DEVELOPMENTAL AND EPILEPTIC ENCEPHALOPATHY 42A; EPILEPTIC ENCEPHALOPATHY, EARLY INFANTILE, 42A. Identifiers: MedGen C4310716, MONDO:0014917, OMIM 617106.

gnomAD v4.1: 4 of 1,611,768 alleles (0.00025%); highest among the groups gnomAD compares: African/African-American, 0.0013%; no homozygotes.

Submission:

Labcorp Genetics (formerly Invitae), Labcorp
Classification: Uncertain significance for Developmental and epileptic encephalopathy, 42; Episodic ataxia type 2. Last evaluated: 2025-02-10. Review status: criteria provided, single submitter. Criteria: Invitae Variant Classification Sherloc (09022015). Collection method: clinical testing. Allele origin: germline.
Comment: This sequence change replaces threonine, which is neutral and polar, with methionine, which is neutral and non-polar, at codon 809 of the CACNA1A protein (p.Thr809Met). This variant is not present in population databases (gnomAD no frequency). This variant has not been reported in the literature in individuals affected with CACNA1A-related conditions. Invitae Evidence Modeling of protein sequence and biophysical properties (such as structural, functional, and spatial information, amino acid conservation, physicochemical variation, residue mobility, and thermodynamic stability) indicates that this missense variant is not expected to disrupt CACNA1A protein function with a negative predictive value of 95%. In summary, the available evidence is currently insufficient to determine the role of this variant in disease. Therefore, it has been classified as a Variant of Uncertain Significance.

NM_001127222.2(CACNA1A):c.2423C>T (p.Thr808Met)

Gene: CACNA1A (calcium voltage-gated channel subunit alpha1 A; minus strand). Cytogenetic location: 19p13.13.
Variant type: single nucleotide variant.
Coding change: c.2423C>T on transcript NM_001127222.2 (MANE Select); coding-DNA position 2423, C replaced by T.
Protein change: p.Thr808Met; replaces threonine 808 with methionine.
Molecular consequence: missense variant.
Genome position (GRCh38, 1-based): chr19:13,299,210, G>A on the plus strand (C>T on the coding strand, the complement: CACNA1A is on the minus strand). VCF-style: chr19-13299210-G-A. GRCh37 (hg19) VCF-style: chr19-13410024-G-A.
Other names: c.2435C>T, p.Thr812Met (NM_000068.4, NM_023035.3); c.2426C>T, p.Thr809Met (NM_001127221.2, NM_001174080.2); short protein forms T809M, T812M, T808M.
Identifiers: ClinVar variation 4791211 (VCV004791211.1).